The following is an entry in ClinVar:

NM_001378778.1(MPDZ):c.3436T>A (p.Trp1146Arg)

Gene: MPDZ (multiple PDZ domain crumbs cell polarity complex component; minus strand). Cytogenetic location: 9p23.
Variant type: single nucleotide variant.
Coding change: c.3436T>A on transcript NM_001378778.1 (MANE Select); coding-DNA position 3436, T replaced by A.
Protein change: p.Trp1146Arg; replaces tryptophan 1146 with arginine.
Molecular consequence: missense variant. On other transcripts: intron variant (1).
Genome position (GRCh38, 1-based): chr9:13,158,034, A>T on the plus strand (T>A on the coding strand, the complement: MPDZ is on the minus strand). VCF-style: chr9-13158034-A-T. GRCh37 (hg19) VCF-style: chr9-13158033-A-T.
Other names: c.3436T>A, p.Trp1146Arg (NM_001261406.2, NM_001261407.2, NM_001330637.2 and 13 more transcripts); c.3255-7346T>A (NM_001375427.1); short protein forms W1146R.
Identifiers: ClinVar variation 2105476 (VCV002105476.4), dbSNP rs2491385988, ClinGen allele CA372951305.

ClinVar aggregate classification (germline): Uncertain significance (1 of 4 stars; one submission).

Submission:

Labcorp Genetics (formerly Invitae), Labcorp
Classification: Uncertain significance. Last evaluated: 2022-03-01. Review status: criteria provided, single submitter. Criteria: Invitae Variant Classification Sherloc (09022015). Collection method: clinical testing. Allele origin: germline.
Comment: Algorithms developed to predict the effect of sequence changes on RNA splicing suggest that this variant may disrupt the consensus splice site. In summary, the available evidence is currently insufficient to determine the role of this variant in disease. Therefore, it has been classified as a Variant of Uncertain Significance. Algorithms developed to predict the effect of missense changes on protein structure and function (SIFT, PolyPhen-2, Align-GVGD) all suggest that this variant is likely to be disruptive. This variant has not been reported in the literature in individuals affected with MPDZ-related conditions. This variant is not present in population databases (gnomAD no frequency). This sequence change replaces tryptophan, which is neutral and slightly polar, with arginine, which is basic and polar, at codon 1146 of the MPDZ protein (p.Trp1146Arg).